The following is an entry in ClinVar:

ClinVar aggregate classification (germline): Uncertain significance. Review status: criteria provided, multiple submitters, no conflicts (2 of 4 stars). 2 submissions from 2 submitters: Uncertain significance (2). Last evaluated 2025-08-27.

Conditions:
Epidermodysplasia verruciformis. Identifiers: Orphanet 302, MedGen C0014522, MONDO:0009176.
Inborn genetic diseases. Identifiers: MedGen C0950123, MeSH D030342.

Allele frequency attached by ClinVar (database versions not stated): gnomAD 0.00001; gnomAD exomes 0.00001; TOPMed 0.00001; ExAC 0.00002; ESP Exome Variant Server 0.00008.

Submissions (2):

Ambry Genetics
Classification: Uncertain significance for Inborn genetic diseases. Last evaluated: 2025-08-27. Review status: criteria provided, single submitter. Criteria: Ambry Variant Classification Scheme 2023. Collection method: clinical testing. Allele origin: germline.

Labcorp Genetics (formerly Invitae), Labcorp
Classification: Uncertain significance for Epidermodysplasia verruciformis. Last evaluated: 2022-02-28. Review status: criteria provided, single submitter. Criteria: Invitae Variant Classification Sherloc (09022015). Collection method: clinical testing. Allele origin: germline.
Comment: This sequence change replaces valine, which is neutral and non-polar, with isoleucine, which is neutral and non-polar, at codon 370 of the TMC8 protein (p.Val370Ile). This variant is present in population databases (rs376717585, gnomAD 0.003%). This variant has not been reported in the literature in individuals affected with TMC8-related conditions. Algorithms developed to predict the effect of missense changes on protein structure and function output the following: SIFT: "Tolerated"; PolyPhen-2: "Benign"; Align-GVGD: "Class C0". The isoleucine amino acid residue is found in multiple mammalian species, which suggests that this missense change does not adversely affect protein function. In summary, the available evidence is currently insufficient to determine the role of this variant in disease. Therefore, it has been classified as a Variant of Uncertain Significance.

NM_152468.5(TMC8):c.1108G>A (p.Val370Ile)

Gene: TMC8 (transmembrane channel like 8; plus strand). Cytogenetic location: 17q25.3.
Variant type: single nucleotide variant.
Coding change: c.1108G>A on transcript NM_152468.5 (MANE Select); coding-DNA position 1108, G replaced by A.
Protein change: p.Val370Ile; replaces valine 370 with isoleucine.
Molecular consequence: missense variant.
Genome position (GRCh38, 1-based): chr17:78,134,990, G>A. VCF-style: chr17-78134990-G-A. GRCh37 (hg19) VCF-style: chr17-76131071-G-A.
Other names: short protein forms V370I.
Identifiers: ClinVar variation 2173863 (VCV002173863.2), dbSNP rs376717585, ClinGen allele CA8796727.